The following is an entry in ClinVar:

ClinVar aggregate classification (germline): Likely benign (1 of 4 stars; one submission).

Allele frequency attached by ClinVar (database versions not stated): gnomAD exomes below 0.00001.
gnomAD v4.1: 2 of 1,611,938 alleles (0.00012%); highest among the groups gnomAD compares: African/African-American, 0.0013%; no homozygotes.

Submission:

CeGaT Center for Human Genetics Tuebingen
Classification: Likely benign. Last evaluated: 2023-03-01. Review status: criteria provided, single submitter. Criteria: CeGaT Center For Human Genetics Tuebingen Variant Classification Criteria Version 2. Collection method: clinical testing. Allele origin: germline. Affected: yes. Observed: 1 variant allele.
Comment: CCDC9: PM2:Supporting, BP4, BP7

NM_015603.3(CCDC9):c.1236G>A (p.Glu412=)

Gene: CCDC9 (coiled-coil domain containing 9; plus strand). Cytogenetic location: 19q13.32.
Variant type: single nucleotide variant.
Coding change: c.1236G>A on transcript NM_015603.3 (MANE Select); coding-DNA position 1236, G replaced by A.
Protein change: p.Glu412=; no amino-acid change (glutamic acid 412 retained).
Molecular consequence: synonymous variant.
Genome position (GRCh38, 1-based): chr19:47,271,318, G>A. VCF-style: chr19-47271318-G-A. GRCh37 (hg19) VCF-style: chr19-47774575-G-A.
Identifiers: ClinVar variation 2650144 (VCV002650144.24), dbSNP rs2514849201, ClinGen allele CA507981589.